The following is an entry in ClinVar:

NM_002473.6(MYH9):c.3346C>G (p.Leu1116Val)

Gene: MYH9 (myosin heavy chain 9; minus strand). Cytogenetic location: 22q12.3.
Variant type: single nucleotide variant.
Coding change: c.3346C>G on transcript NM_002473.6 (MANE Select); coding-DNA position 3346, C replaced by G.
Protein change: p.Leu1116Val; replaces leucine 1116 with valine.
Molecular consequence: missense variant.
Genome position (GRCh38, 1-based): chr22:36,295,644, G>C on the plus strand (C>G on the coding strand, the complement: MYH9 is on the minus strand). VCF-style: chr22-36295644-G-C. GRCh37 (hg19) VCF-style: chr22-36691690-G-C.
Other names: short protein forms L1116V.
Identifiers: ClinVar variation 4779943 (VCV004779943.1).

ClinVar aggregate classification (germline): Uncertain significance (1 of 4 stars; one submission).

gnomAD v4.1: 1 of 1,613,944 alleles (0.000062%); highest among the groups gnomAD compares: Admixed American, 0.0017%; no homozygotes.

Submission:

Labcorp Genetics (formerly Invitae), Labcorp
Classification: Uncertain significance. Last evaluated: 2025-07-25. Review status: criteria provided, single submitter. Criteria: Invitae Variant Classification Sherloc (09022015). Collection method: clinical testing. Allele origin: germline.
Comment: This sequence change replaces leucine, which is neutral and non-polar, with valine, which is neutral and non-polar, at codon 1116 of the MYH9 protein (p.Leu1116Val). This variant is not present in population databases (gnomAD no frequency). This variant has not been reported in the literature in individuals affected with MYH9-related conditions. Invitae Evidence Modeling of protein sequence and biophysical properties (such as structural, functional, and spatial information, amino acid conservation, physicochemical variation, residue mobility, and thermodynamic stability) indicates that this missense variant is not expected to disrupt MYH9 protein function with a negative predictive value of 95%. In summary, the available evidence is currently insufficient to determine the role of this variant in disease. Therefore, it has been classified as a Variant of Uncertain Significance.